The following is an entry in ClinVar:

NM_020791.4(TAOK1):c.832-1G>T

Gene: TAOK1 (TAO kinase 1; plus strand). Cytogenetic location: 17q11.2.
Variant type: single nucleotide variant.
Coding change: c.832-1G>T on transcript NM_020791.4 (MANE Select); the canonical splice acceptor site of the intron before coding-DNA position 832, G replaced by T.
Molecular consequence: splice acceptor variant.
Genome position (GRCh38, 1-based): chr17:29,495,559, G>T. VCF-style: chr17-29495559-G-T. GRCh37 (hg19) VCF-style: chr17-27822577-G-T.
Other names: c.832-1G>T (NM_025142.1).
Identifiers: ClinVar variation 5030497 (VCV005030497.1).
Genomic context (GRCh38, chr17:29,495,559, plus strand): 5'-GAAGGAGTACCTTGTCACTAATTGAAAAAAAAATCAACCTTTTACCTTCTACCCTATCTA[G>T]CACATATTTGTTCTTCGGGAGCGCCCTGAAACCGTGTTAATAGATCTCATTCAGAGGACA-3'

ClinVar aggregate classification (germline): Uncertain significance (1 of 4 stars; one submission).

Conditions:
Inborn genetic diseases. Identifiers: MedGen C0950123, MeSH D030342.

Submission:

Ambry Genetics
Classification: Uncertain significance for Inborn genetic diseases. Last evaluated: 2026-08-20. Review status: criteria provided, single submitter. Criteria: Ambry Variant Classification Scheme 2023. Collection method: clinical testing. Allele origin: germline.
Comment: The c.832-1G>T intronic variant consists of a G to T substitution one nucleotide(s) before exon 11 (coding exon 10) of the TAOK1 gene. Variants that disrupt the canonical splice site are expected to result in aberrant splicing. The resulting transcript is predicted to be in-frame and is not expected to trigger nonsense-mediated mRNA decay, although direct evidence is unavailable. This variant was not reported in population-based cohorts in the Genome Aggregation Database (gnomAD). Based on insufficient or conflicting evidence, the clinical significance of this alteration remains unclear.